The following is an entry in ClinVar:

ClinVar aggregate classification (germline): Likely benign (1 of 4 stars; one submission).

Allele frequency attached by ClinVar (database versions not stated): ESP Exome Variant Server 0.00017.
gnomAD v4.1: 145 of 1,613,918 alleles (0.009%); highest among the groups gnomAD compares: Non-Finnish European, 0.012%; no homozygotes.

Submission:

CeGaT Center for Human Genetics Tuebingen
Classification: Likely benign. Last evaluated: 2023-03-01. Review status: criteria provided, single submitter. Criteria: CeGaT Center For Human Genetics Tuebingen Variant Classification Criteria Version 2. Collection method: clinical testing. Allele origin: germline. Affected: yes. Observed: 2 variant alleles.
Comment: FRY: BP4, BP7

NM_023037.3(FRY):c.4866C>G (p.Pro1622=)

Gene: FRY (FRY microtubule binding protein; plus strand). Cytogenetic location: 13q13.1.
Variant type: single nucleotide variant.
Coding change: c.4866C>G on transcript NM_023037.3 (MANE Select); coding-DNA position 4866, C replaced by G.
Protein change: p.Pro1622=; no amino-acid change (proline 1622 retained).
Molecular consequence: synonymous variant.
Genome position (GRCh38, 1-based): chr13:32,224,335, C>G. VCF-style: chr13-32224335-C-G. GRCh37 (hg19) VCF-style: chr13-32798472-C-G.
Other names: c.4866C>G, p.Pro1622= (NM_001411012.1).
Identifiers: ClinVar variation 2643725 (VCV002643725.24), dbSNP rs371353662, ClinGen allele CA6939054.
Genomic context (GRCh38, chr13:32,224,335, plus strand): 5'-TACAGAGACCAAGCAGCCGCAGCCCTTACCGATGCCTTGTACTGGAGGATGCTGGGCCCC[C>G]CTGGTTGACTATCTCCCGGAGACCATCACTCCCCGGGGGCCACTCCACAGGTGAGCAGCA-3'
Protein context (NP_075463.2, residues 1612-1632): PMPCTGGCWA[Pro1622=]LVDYLPETIT